The following is an entry in ClinVar:

NM_000419.5(ITGA2B):c.2178G>C (p.Lys726Asn)

Gene: ITGA2B (integrin subunit alpha 2b; minus strand). Cytogenetic location: 17q21.31.
Variant type: single nucleotide variant.
Coding change: c.2178G>C on transcript NM_000419.5 (MANE Select); coding-DNA position 2178, G replaced by C.
Protein change: p.Lys726Asn; replaces lysine 726 with asparagine.
Molecular consequence: missense variant.
Genome position (GRCh38, 1-based): chr17:44,377,707, C>G on the plus strand (G>C on the coding strand, the complement: ITGA2B is on the minus strand). VCF-style: chr17-44377707-C-G. GRCh37 (hg19) VCF-style: chr17-42455075-C-G.
Other names: short protein forms K726N.
Identifiers: ClinVar variation 3861515 (VCV003861515.2).
Genomic context (GRCh38, chr17:44,377,707, plus strand): 5'-TTATTCATGAGCCCCTGGTGGAGACCCGGTACCACGACCCAGCAGCCTCACCTGGGCGTT[C>G]TTCTTCATGGGGTTGCCCAGCTCACACAGCACCACCCTGGTCTCATTCTCCTTCTTCTGA-3'
Protein context (NP_000410.2, residues 716-736): VLCELGNPMK[Lys726Asn]NAQIGIAMLV

ClinVar aggregate classification (germline): Uncertain significance. Review status: criteria provided, multiple submitters, no conflicts (2 of 4 stars). 2 submissions from 2 submitters: Uncertain significance (2). Last evaluated 2025-05-27.

Conditions:
Inborn genetic diseases. Identifiers: MedGen C0950123, MeSH D030342.
Glanzmann thrombasthenia. Also called: BLEEDING DISORDER, PLATELET-TYPE, 2; THROMBASTHENIA OF GLANZMANN AND NAEGELI; PLATELET GLYCOPROTEIN IIb-IIIa DEFICIENCY; Thrombasthenia; Glanzmann's thrombasthenia. Identifiers: Orphanet 849, MedGen C0040015, MONDO:0100326.

Submissions (2):

Labcorp Genetics (formerly Invitae), Labcorp
Classification: Uncertain significance for Glanzmann thrombasthenia. Last evaluated: 2025-05-27. Review status: criteria provided, single submitter. Criteria: Invitae Variant Classification Sherloc (09022015). Collection method: clinical testing. Allele origin: germline.
Comment: This sequence change replaces lysine, which is basic and polar, with asparagine, which is neutral and polar, at codon 726 of the ITGA2B protein (p.Lys726Asn). This variant is present in population databases (rs768282755, gnomAD 0.02%). This variant has not been reported in the literature in individuals affected with ITGA2B-related conditions. ClinVar contains an entry for this variant (Variation ID: 3861515). An algorithm developed to predict the effect of missense changes on protein structure and function outputs the following: PolyPhen-2: "Benign". The asparagine amino acid residue is found in multiple mammalian species, which suggests that this missense change does not adversely affect protein function. In summary, the available evidence is currently insufficient to determine the role of this variant in disease. Therefore, it has been classified as a Variant of Uncertain Significance.

Ambry Genetics
Classification: Uncertain significance for Inborn genetic diseases. Last evaluated: 2025-02-26. Review status: criteria provided, single submitter. Criteria: Ambry Variant Classification Scheme 2023. Collection method: clinical testing. Allele origin: germline.